The following is an entry in ClinVar:

ClinVar aggregate classification (germline): Uncertain significance (1 of 4 stars; one submission).

Conditions:
Luscan-Lumish syndrome. Identifiers: Orphanet 597738, MedGen C4085873, MONDO:0014791, OMIM 616831.

gnomAD v4.1: 36 of 1,614,014 alleles (0.0022%); highest among the groups gnomAD compares: African/African-American, 0.0027%; no homozygotes.

Submission:

Labcorp Genetics (formerly Invitae), Labcorp
Classification: Uncertain significance for Luscan-Lumish syndrome. Last evaluated: 2024-11-20. Review status: criteria provided, single submitter. Criteria: Invitae Variant Classification Sherloc (09022015). Collection method: clinical testing. Allele origin: germline.
Comment: This sequence change replaces leucine, which is neutral and non-polar, with valine, which is neutral and non-polar, at codon 1933 of the SETD2 protein (p.Leu1933Val). This variant is present in population databases (rs748296881, gnomAD 0.01%). This variant has not been reported in the literature in individuals affected with SETD2-related conditions. An algorithm developed to predict the effect of missense changes on protein structure and function (PolyPhen-2) suggests that this variant is likely to be tolerated. In summary, the available evidence is currently insufficient to determine the role of this variant in disease. Therefore, it has been classified as a Variant of Uncertain Significance.

NM_014159.7(SETD2):c.5797C>G (p.Leu1933Val)

Gene: SETD2 (SET domain containing 2, histone lysine methyltransferase; minus strand). Cytogenetic location: 3p21.31.
Variant type: single nucleotide variant.
Coding change: c.5797C>G on transcript NM_014159.7 (MANE Select); coding-DNA position 5797, C replaced by G.
Protein change: p.Leu1933Val; replaces leucine 1933 with valine.
Molecular consequence: missense variant. On other transcripts: non-coding transcript variant (1).
Genome position (GRCh38, 1-based): chr3:47,083,983, G>C on the plus strand (C>G on the coding strand, the complement: SETD2 is on the minus strand). VCF-style: chr3-47083983-G-C. GRCh37 (hg19) VCF-style: chr3-47125473-G-C.
Other names: c.5665C>G, p.Leu1889Val (NM_001349370.3); short protein forms L1889V, L1933V.
Identifiers: ClinVar variation 3719626 (VCV003719626.2).